The following is an entry in ClinVar:

NM_000525.4(KCNJ11):c.853G>A (p.Val285Ile)

Gene: KCNJ11 (potassium inwardly rectifying channel subfamily J member 11; minus strand). Cytogenetic location: 11p15.1.
Variant type: single nucleotide variant.
Coding change: c.853G>A on transcript NM_000525.4 (MANE Select); coding-DNA position 853, G replaced by A.
Protein change: p.Val285Ile; replaces valine 285 with isoleucine.
Molecular consequence: missense variant.
Genome position (GRCh38, 1-based): chr11:17,387,239, C>T on the plus strand (G>A on the coding strand, the complement: KCNJ11 is on the minus strand). VCF-style: chr11-17387239-C-T. GRCh37 (hg19) VCF-style: chr11-17408786-C-T.
Other names: c.592G>A, p.Val198Ile (NM_001166290.2, NM_001377296.1, NM_001377297.1); short protein forms V285I, V198I.
Identifiers: ClinVar variation 552596 (VCV000552596.8), dbSNP rs149667199, ClinGen allele CA5902232.

ClinVar aggregate classification (germline): Uncertain significance. Review status: criteria provided, multiple submitters, no conflicts (2 of 4 stars). 5 submissions from 5 submitters: Uncertain significance (4). 1 of the submissions does not count toward it. Last evaluated 2025-01-28.

Conditions:
Permanent neonatal diabetes mellitus 1. Also called: GCK-Related Permanent Neonatal Diabetes Mellitus. Identifiers: MedGen C5393570, MONDO:0100165, OMIM 606176.
Diabetes mellitus, transient neonatal, 3 (TNDM3). Identifiers: Orphanet 99886, MedGen C1864623, MONDO:0012522, OMIM 610582. Disease mechanism: loss of function.
Hyperinsulinemic hypoglycemia, familial, 2. Also called: HYPERINSULINEMIC HYPOGLYCEMIA, PERSISTENT; HYPERINSULINISM, NEONATAL. Identifiers: Orphanet 276580, Orphanet 276603, MedGen C2931833, MONDO:0011153, OMIM 601820. Disease mechanism: loss of function.
Maturity-onset diabetes of the young (MODY). Also called: Maturity onset diabetes mellitus in young. Identifiers: Orphanet 552, MedGen C0342276, MONDO:0018911, HP:0004904.
KCNJ11-related disorder. Also called: KCNJ11-related disorders; KCNJ11-related condition.
Maturity-onset diabetes of the young type 13. Also called: MODY, TYPE 13. Identifiers: Orphanet 552, MedGen C4225365, MONDO:0014589, OMIM 616329.
Diabetes mellitus, permanent neonatal 2. Also called: KCNJ11-Related Permanent Neonatal Diabetes Mellitus. Identifiers: MedGen C5394296, MONDO:0030087, OMIM 618856.
Type 2 diabetes mellitus. Also called: Type II diabetes mellitus. Identifiers: MedGen C0011860, MeSH D003924, MONDO:0005148, OMIM 125853, HP:0005978.

Allele frequency attached by ClinVar (database versions not stated): ESP Exome Variant Server 0.00015; 1000 Genomes Project 30x 0.00016; 1000 Genomes Project 0.00020; gnomAD exomes 0.00001 and 0.00002; ExAC 0.00002; TOPMed 0.00002; gnomAD 0.00003.
gnomAD v4.1: 22 of 1,614,230 alleles (0.0014%); highest among the groups gnomAD compares: Middle Eastern, 0.016%; no homozygotes.

Submissions (5):

PreventionGenetics, part of Exact Sciences
Classification: Uncertain significance for KCNJ11-related condition. Last evaluated: 2025-01-28. Review status: criteria provided, single submitter. Criteria: ACMG Guidelines, 2015. Collection method: clinical testing. Allele origin: germline.
Comment: The KCNJ11 c.853G>A variant is predicted to result in the amino acid substitution p.Val285Ile. This variant has been reported, along with an ABCC8 variant, in two children with transient neonatal diabetes (Jahnavi et al 2013. PubMed ID: 22831748). Both parents of the teenager had diabetes, but this variant was only found in the father. This variant is reported in 0.012% of alleles in individuals of African descent in gnomAD. At this time, the clinical significance of this variant is uncertain due to the absence of conclusive functional and genetic evidence.

Labcorp Genetics (formerly Invitae), Labcorp
Classification: Uncertain significance. Last evaluated: 2022-10-13. Review status: criteria provided, single submitter. Criteria: Invitae Variant Classification Sherloc (09022015). Collection method: clinical testing. Allele origin: germline.
Comment: This sequence change replaces valine, which is neutral and non-polar, with isoleucine, which is neutral and non-polar, at codon 285 of the KCNJ11 protein (p.Val285Ile). This variant is present in population databases (rs149667199, gnomAD 0.008%). This missense change has been observed in individual(s) with early onset diabetes (PMID: 22831748). ClinVar contains an entry for this variant (Variation ID: 552596). Advanced modeling of protein sequence and biophysical properties (such as structural, functional, and spatial information, amino acid conservation, physicochemical variation, residue mobility, and thermodynamic stability) performed at Invitae indicates that this missense variant is expected to disrupt KCNJ11 protein function. In summary, the available evidence is currently insufficient to determine the role of this variant in disease. Therefore, it has been classified as a Variant of Uncertain Significance.

Fulgent Genetics
Classification: Uncertain significance for Type 2 diabetes mellitus; Hyperinsulinemic hypoglycemia, familial, 2; Diabetes mellitus, transient neonatal, 3; Maturity-onset diabetes of the young type 13; Diabetes mellitus, permanent neonatal 2. Last evaluated: 2021-07-21. Review status: criteria provided, single submitter. Criteria: ACMG Guidelines, 2015. Collection method: clinical testing. Allele origin: unknown.

Clinical Genomics, Uppaluri K&H Personalized Medicine Clinic
Classification: Uncertain significance for Maturity-onset diabetes of the young. Review status: criteria provided, single submitter. Criteria: K&H Uppaluri Personalized Medicine Clinic Variant Classification & Assertion Criteria. Collection method: research. Allele origin: somatic. Inheritance: Autosomal dominant inheritance.
Comment: Mutations in KCNJ11 gene can cause decreased production and secretion of insulin. This can lead to MODY which may be responsive to oral sulfonylureas. It is also associated with Neonatal Diabetes. However, no sufficient evidence is found to ascertain the role of rs149667199 variant in MODY yet.

Counsyl
Classification: Uncertain significance for Hyperinsulinemic hypoglycemia, familial, 2; Permanent neonatal diabetes mellitus 1; Diabetes mellitus, transient neonatal, 3. Last evaluated: 2017-06-27. Review status: no assertion criteria provided. Collection method: clinical testing. Allele origin: unknown. Not counted in ClinVar's aggregate classification.

Literature cited by the submitters: PubMed 22831748 (cited by Labcorp Genetics (formerly Invitae), Labcorp and Counsyl); PubMed 26448950 (cited by Clinical Genomics, Uppaluri K&H Personalized Medicine Clinic); PubMed 15580558 (cited by Clinical Genomics, Uppaluri K&H Personalized Medicine Clinic); PubMed 15718250 (cited by Clinical Genomics, Uppaluri K&H Personalized Medicine Clinic); PubMed 32935446 (cited by Clinical Genomics, Uppaluri K&H Personalized Medicine Clinic); PubMed 22701567 (cited by Clinical Genomics, Uppaluri K&H Personalized Medicine Clinic).